The following is an entry in ClinVar:

ClinVar aggregate classification (germline): Benign/Likely benign. Review status: criteria provided, multiple submitters, no conflicts (2 of 4 stars). 11 submissions from 11 submitters: Benign (5); Likely benign (4). 2 of the submissions do not count toward it. Last evaluated 2026-07-01.

Conditions:
Cardiovascular phenotype. Identifiers: MedGen CN230736.
Long QT syndrome (LQTS). Identifiers: MedGen C0023976, MeSH D008133, MONDO:0002442. Disease mechanism: loss of function. Inheritance: Various modes of inheritance.
Primary dilated cardiomyopathy (DCM). Also called: Dilated Cardiomyopathy. Identifiers: Orphanet 217604, MedGen C0007193, MeSH D002311, MONDO:0005021, HP:0001644. Inheritance: Various modes of inheritance.
Familial hyperaldosteronism type III. Also called: FH III; Familial hyperaldosteronism type 3. Identifiers: Orphanet 251274, MedGen C3838758, MONDO:0013359, OMIM 613677.

Allele frequency attached by ClinVar (database versions not stated): gnomAD exomes 0.00045 and 0.00112; ExAC 0.00150; gnomAD 0.00287 and 0.00300; TOPMed 0.00347; ESP Exome Variant Server 0.00400; 1000 Genomes Project 0.00499; 1000 Genomes Project 30x 0.00515.
gnomAD v4.1: 1,115 of 1,614,206 alleles (0.069%); highest among the groups gnomAD compares: African/African-American, 1%; 4 homozygotes.

Submissions (11):

CeGaT Center for Human Genetics Tuebingen
Classification: Likely benign. Last evaluated: 2026-07-01. Review status: criteria provided, single submitter. Criteria: CeGaT Center For Human Genetics Tuebingen Variant Classification Criteria Version 2. Collection method: clinical testing. Allele origin: germline. Affected: yes. Observed: 1 variant allele.
Comment: KCNJ5: BS1

Labcorp Genetics (formerly Invitae), Labcorp
Classification: Benign for Long QT syndrome. Last evaluated: 2026-01-23. Review status: criteria provided, single submitter. Criteria: Invitae Variant Classification Sherloc (09022015). Collection method: clinical testing. Allele origin: germline.

Women's Health and Genetics/Laboratory Corporation of America, LabCorp
Classification: Likely benign. Last evaluated: 2025-05-15. Review status: criteria provided, single submitter. Criteria: LabCorp Variant Classification Summary - May 2015. Collection method: clinical testing. Allele origin: germline.

Blueprint Genetics
Classification: Likely benign. Last evaluated: 2024-10-22. Review status: criteria provided, single submitter. Criteria: ACMG Guidelines, 2015. Collection method: clinical testing. Allele origin: germline.

Center for Advanced Laboratory Medicine, UC San Diego Health, University of California San Diego
Classification: Benign for Long QT Syndrome; Dilated cardiomyopathy. Last evaluated: 2018-05-15. Review status: criteria provided, single submitter. Criteria: ACMG Guidelines, 2015. Collection method: clinical testing. Allele origin: germline. Affected: yes. Observed: 2 variant alleles.

Illumina Laboratory Services, Illumina
Classification: Benign for Familial hyperaldosteronism type III. Last evaluated: 2018-01-13. Review status: criteria provided, single submitter. Criteria: ICSL Variant Classification Criteria 13 December 2019. Collection method: clinical testing. Allele origin: germline.
Comment: This variant was observed in the ICSL laboratory as part of a predisposition screen in an ostensibly healthy population. It had not been previously curated by ICSL or reported in the Human Gene Mutation Database (HGMD: prior to June 1st, 2018), and was therefore a candidate for classification through an automated scoring system. Utilizing variant allele frequency, disease prevalence and penetrance estimates, and inheritance mode, an automated score was calculated to assess if this variant is too frequent to cause the disease. Based on the score and internal cut-off values, a variant classified as benign is not then subjected to further curation. The score for this variant resulted in a classification of benign for this disease.

GeneDx
Classification: Benign. Last evaluated: 2015-11-04. Review status: criteria provided, single submitter. Criteria: GeneDx Variant Classification (06012015). Collection method: clinical testing. Allele origin: germline. Affected: yes.
Comment: This variant is considered likely benign or benign based on one or more of the following criteria: it is a conservative change, it occurs at a poorly conserved position in the protein, it is predicted to be benign by multiple in silico algorithms, and/or has population frequency not consistent with disease.

Ambry Genetics
Classification: Benign for Cardiovascular phenotype. Last evaluated: 2015-06-26. Review status: criteria provided, single submitter. Criteria: Ambry Variant Classification Scheme 2023. Collection method: clinical testing. Allele origin: germline.

Breakthrough Genomics
Classification: Likely benign. Review status: criteria provided, single submitter. Criteria: ACMG Guidelines, 2015. Collection method: not provided. Allele origin: germline. Inheritance: Autosomal dominant inheritance. Affected: yes.

Clinical Genetics, Academic Medical Center
Classification: Likely benign. Review status: no assertion criteria provided. Collection method: clinical testing. Allele origin: germline. Affected: yes. Study: VKGL Data-share Consensus. Not counted in ClinVar's aggregate classification.

Genome Diagnostics Laboratory, University Medical Center Utrecht
Classification: Likely benign. Review status: no assertion criteria provided. Collection method: clinical testing. Allele origin: germline. Affected: yes. Study: VKGL Data-share Consensus. Not counted in ClinVar's aggregate classification.

NM_000890.5(KCNJ5):c.121C>T (p.Arg41Cys)

Gene: KCNJ5 (potassium inwardly rectifying channel subfamily J member 5; plus strand). Cytogenetic location: 11q24.3.
Variant type: single nucleotide variant.
Coding change: c.121C>T on transcript NM_000890.5 (MANE Select); coding-DNA position 121, C replaced by T.
Protein change: p.Arg41Cys; replaces arginine 41 with cysteine.
Molecular consequence: missense variant.
Genome position (GRCh38, 1-based): chr11:128,911,394, C>T. VCF-style: chr11-128911394-C-T. GRCh37 (hg19) VCF-style: chr11-128781289-C-T.
Other names: c.121C>T (LRG_333t1); c.121C>T, p.Arg41Cys (NM_001354169.2); short protein forms R41C.
Identifiers: ClinVar variation 188315 (VCV000188315.27), dbSNP rs115012103, ClinGen allele CA334593.
Genomic context (GRCh38, chr11:128,911,394, plus strand): 5'-GACCCCAAGAAGATTCCAAAACAGGCCCGCGATTATGTCCCCATTGCCACAGACCGTACG[C>T]GCCTGCTGGCCGAGGGCAAGAAGCCACGCCAGCGCTACATGGAGAAGAGTGGCAAGTGCA-3'
Protein context (NP_000881.3, residues 31-51): DYVPIATDRT[Arg41Cys]LLAEGKKPRQ